The following is an entry in ClinVar:

NM_024939.3(ESRP2):c.656-4T>C

Gene: ESRP2 (epithelial splicing regulatory protein 2; minus strand). Cytogenetic location: 16q22.1.
Variant type: single nucleotide variant.
Coding change: c.656-4T>C on transcript NM_024939.3 (MANE Select); 4 bases into the intron before coding-DNA position 656, T replaced by C.
Molecular consequence: intron variant.
Genome position (GRCh38, 1-based): chr16:68,232,819, A>G on the plus strand (T>C on the coding strand, the complement: ESRP2 is on the minus strand). VCF-style: chr16-68232819-A-G. GRCh37 (hg19) VCF-style: chr16-68266722-A-G.
Other names: c.656-4T>C (NM_001365265.1, NM_001365264.1).
Identifiers: ClinVar variation 3053624 (VCV003053624.2), dbSNP rs145320998, ClinGen allele CA8125504.
Genomic context (GRCh38, chr16:68,232,819, plus strand): 5'-ACCAAGGCCCCGTCTCGTATTTCTGCTTTATCACCTCGGGCTTCGAAAACAATTGACCTG[A>G]GAAAAGATGGCCTGGGGGTCAGCAGGGTCTGGTGGAGAGGGGTGTCCCCACCAAGTTCTG-3'

ClinVar aggregate classification (germline): Benign (0 of 4 stars; one submission).

Conditions:
ESRP2-related disorder. Also called: ESRP2-related condition.

Allele frequency attached by ClinVar (database versions not stated): gnomAD exomes 0.00018; TOPMed 0.00024; gnomAD 0.00027; ExAC 0.00049; 1000 Genomes Project 30x 0.00234; 1000 Genomes Project 0.00260.
gnomAD v4.1: 308 of 1,613,180 alleles (0.019%); highest among the groups gnomAD compares: East Asian, 0.65%; no homozygotes.

Submission:

PreventionGenetics, part of Exact Sciences
Classification: Benign for ESRP2-related condition. Last evaluated: 2019-08-29. Review status: no assertion criteria provided. Collection method: clinical testing. Allele origin: germline.
Comment: This variant is classified as benign based on ACMG/AMP sequence variant interpretation guidelines (Richards et al. 2015 PMID: 25741868, with internal and published modifications).